The following is an entry in ClinVar:

NM_001009999.3(KDM1A):c.2448G>A (p.Pro816=)

Gene: KDM1A (lysine demethylase 1A; plus strand). Cytogenetic location: 1p36.12.
Variant type: single nucleotide variant.
Coding change: c.2448G>A on transcript NM_001009999.3 (MANE Select); coding-DNA position 2448, G replaced by A.
Protein change: p.Pro816=; no amino-acid change (proline 816 retained).
Molecular consequence: synonymous variant.
Genome position (GRCh38, 1-based): chr1:23,083,181, G>A. VCF-style: chr1-23083181-G-A. GRCh37 (hg19) VCF-style: chr1-23409674-G-A.
Other names: c.2394G>A, p.Pro798= (NM_001363654.2); c.2376G>A, p.Pro792= (NM_015013.4).
Identifiers: ClinVar variation 725131 (VCV000725131.19), dbSNP rs137940710, ClinGen allele CA679978.
Genomic context (GRCh38, chr1:23,083,181, plus strand): 5'-GTACAAGAATAAAGGTATATGTGCAGCCTGCCAATTTTCTCTTTTTCCCCTAAAATAGCC[G>A]ATTCCACGACTCTTCTTTGCGGGAGAACATACGATCCGTAACTACCCAGCCACAGTGCAT-3'
Protein context (NP_001009999.1, residues 806-826): PGPSIPGAPQ[Pro816=]IPRLFFAGEH

ClinVar aggregate classification (germline): Benign/Likely benign. Review status: criteria provided, multiple submitters, no conflicts (2 of 4 stars). 7 submissions from 7 submitters: Benign (1); Likely benign (4). 2 of the submissions do not count toward it. Last evaluated 2026-03-01.

Conditions:
Inborn genetic diseases. Identifiers: MedGen C0950123, MeSH D030342.
Palatal anomalies-widely spaced teeth-facial dysmorphism-developmental delay syndrome. Also called: Cleft palate, psychomotor retardation, and distinctive facial features. Identifiers: Orphanet 477993, MedGen C4225229, MONDO:0014751, OMIM 616728.
KDM1A-related disorder. Also called: KDM1A-related condition.

Allele frequency attached by ClinVar (database versions not stated): gnomAD exomes 0.00023 and 0.00070; ExAC 0.00084; ESP Exome Variant Server 0.00185; gnomAD 0.00219 and 0.00226; TOPMed 0.00227; 1000 Genomes Project 0.00419; 1000 Genomes Project 30x 0.00453.

Submissions (7):

CeGaT Center for Human Genetics Tuebingen
Classification: Likely benign. Last evaluated: 2026-03-01. Review status: criteria provided, single submitter. Criteria: CeGaT Center For Human Genetics Tuebingen Variant Classification Criteria Version 2. Collection method: clinical testing. Allele origin: germline. Affected: yes. Observed: 1 variant allele.
Comment: KDM1A: BP4, BP7, BS1

Labcorp Genetics (formerly Invitae), Labcorp
Classification: Benign. Last evaluated: 2026-01-19. Review status: criteria provided, single submitter. Criteria: Invitae Variant Classification Sherloc (09022015). Collection method: clinical testing. Allele origin: germline.

Ambry Genetics
Classification: Likely benign for Inborn genetic diseases. Last evaluated: 2024-10-04. Review status: criteria provided, single submitter. Criteria: Ambry Variant Classification Scheme 2023. Collection method: clinical testing. Allele origin: germline.

Blueprint Genetics
Classification: Likely benign. Last evaluated: 2024-09-12. Review status: criteria provided, single submitter. Criteria: ACMG Guidelines, 2015. Collection method: clinical testing. Allele origin: germline.

Fulgent Genetics
Classification: Likely benign for Palatal anomalies-widely spaced teeth-facial dysmorphism-developmental delay syndrome. Last evaluated: 2022-05-17. Review status: criteria provided, single submitter. Criteria: ACMG Guidelines, 2015. Collection method: clinical testing. Allele origin: unknown.

Genetic Services Laboratory, University of Chicago
Classification: Benign. Last evaluated: 2022-10-01. Review status: no assertion criteria provided. Collection method: clinical testing. Allele origin: germline. Affected: no. Not counted in ClinVar's aggregate classification.

PreventionGenetics, part of Exact Sciences
Classification: Benign for KDM1A-related condition. Last evaluated: 2019-03-22. Review status: no assertion criteria provided. Collection method: clinical testing. Allele origin: germline. Not counted in ClinVar's aggregate classification.
Comment: This variant is classified as benign based on ACMG/AMP sequence variant interpretation guidelines (Richards et al. 2015 PMID: 25741868, with internal and published modifications).